The following is an entry in ClinVar:

ClinVar aggregate classification (germline): Uncertain significance (1 of 4 stars; one submission).

Conditions:
Ataxia-telangiectasia-like disorder (ATLD). Identifiers: MedGen C1858391, MONDO:0011457.

Allele frequency attached by ClinVar (database versions not stated): gnomAD exomes below 0.00001; ExAC 0.00002.
gnomAD v4.1: 1 of 1,602,782 alleles (0.000062%); highest among the groups gnomAD compares: East Asian, 0.0022%; no homozygotes.

Submission:

Labcorp Genetics (formerly Invitae), Labcorp
Classification: Uncertain significance for Ataxia-telangiectasia-like disorder. Last evaluated: 2021-07-01. Review status: criteria provided, single submitter. Criteria: Invitae Variant Classification Sherloc (09022015). Collection method: clinical testing. Allele origin: germline.
Comment: This sequence change affects codon 220 of the MRE11 mRNA. It is a 'silent' change, meaning that it does not change the encoded amino acid sequence of the MRE11 protein. RNA analysis indicates that this variant induces altered splicing and may result in an absent or disrupted protein product. This variant is present in population databases (rs764827899, ExAC 0.02%). This variant has been observed in individual(s) with Nijmegen breakage syndrome-like severe microcephaly (PMID: 21227757). Studies have shown that this variant results in skipping of exon 7, which introduces a premature termination codon (PMID: 21227757). The resulting mRNA is expected to undergo nonsense-mediated decay. In summary, the available evidence is currently insufficient to determine the role of this variant in disease. Therefore, it has been classified as a Variant of Uncertain Significance.

Literature cited by the submitters: PubMed 21227757.

NM_005591.4(MRE11):c.658A>C (p.Arg220=)

Gene: MRE11 (MRE11 homolog, double strand break repair nuclease; minus strand). Cytogenetic location: 11q21.
Variant type: single nucleotide variant.
Coding change: c.658A>C on transcript NM_005591.4 (MANE Select); coding-DNA position 658, A replaced by C.
Protein change: p.Arg220=; no amino-acid change (arginine 220 retained).
Molecular consequence: synonymous variant.
Genome position (GRCh38, 1-based): chr11:94,476,290, T>G on the plus strand (A>C on the coding strand, the complement: MRE11 is on the minus strand). VCF-style: chr11-94476290-T-G. GRCh37 (hg19) VCF-style: chr11-94209456-T-G.
Other names: c.658A>C, p.Arg220= (NM_001330347.2, NM_005590.4).
Identifiers: ClinVar variation 1681614 (VCV001681614.3), dbSNP rs764827899, ClinGen allele CA6235345.
Genomic context (GRCh38, chr11:94,476,290, plus strand): 5'-AGAAACAGATTTGGGAAGCCTCAGCACTTGGCTCAAACTTTTTCAGAGAAAAGTTTTACC[T>G]GTTCTGATGAATCACAAATAAGTTAAACCAAGAGTTCTCATCTTCCTTTGGTCTCAACAT-3'
Protein context (NP_005582.1, residues 210-230): WFNLFVIHQN[Arg220=]SKHGSTNFIP